The following is an entry in ClinVar:

ClinVar aggregate classification (germline): Uncertain significance (1 of 4 stars; one submission).

Conditions:
WDFY3-related disorder.

Submission:

3billion
Classification: Uncertain significance for WDFY3-related disorder. Last evaluated: 2026-01-22. Review status: criteria provided, single submitter. Criteria: ACMG Guidelines, 2015. Collection method: clinical testing. Allele origin: germline. Affected: yes.
Comment: The variant is not observed in the gnomAD v4.1.0 dataset. Predicted Consequence/Location: Missense variant. In silico tool predictions suggest damaging effect of the variant on gene or gene product [REVEL: 0.78 (>=0.6, sensitivity 0.68 and specificity 0.92); 3Cnet: 0.00 (> 0.75, sensitivity 0.96 and precision 0.92)]. Different missense changes at the same codon have been reported as of uncertain significance (ClinVar ID: VCV003602851). Therefore, this variant is classified as VUS according to the recommendation of ACMG/AMP guideline.

NM_014991.6(WDFY3):c.8606A>G (p.Gln2869Arg)

Gene: WDFY3 (WD repeat and FYVE domain containing 3; minus strand). Cytogenetic location: 4q21.23.
Variant type: single nucleotide variant.
Coding change: c.8606A>G on transcript NM_014991.6 (MANE Select); coding-DNA position 8606, A replaced by G.
Protein change: p.Gln2869Arg; replaces glutamine 2869 with arginine.
Molecular consequence: missense variant.
Genome position (GRCh38, 1-based): chr4:84,696,814, T>C on the plus strand (A>G on the coding strand, the complement: WDFY3 is on the minus strand). VCF-style: chr4-84696814-T-C. GRCh37 (hg19) VCF-style: chr4-85617967-T-C.
Other names: short protein forms Q2869R.
Identifiers: ClinVar variation 4854392 (VCV004854392.1).